The following is an entry in ClinVar:

NM_004415.4(DSP):c.6537_6538del (p.Lys2180fs)

Gene: DSP (desmoplakin; plus strand). Cytogenetic location: 6p24.3.
Variant type: Deletion.
Coding change: c.6537_6538del on transcript NM_004415.4 (MANE Select); coding-DNA positions 6537 to 6538, 2 bases deleted (GA; older notation c.6537_6538delGA).
Protein change: p.Lys2180fs; shifts the reading frame from lysine 2180.
Molecular consequence: frameshift variant.
Genome position (GRCh38, 1-based): chr6:7,583,799-7,583,800, GA deleted; deleting any 2 consecutive bases within chr6:7,583,798-7,583,800 gives the same sequence; the c. name uses the placement nearest the transcript's 3' end. VCF-style (leftmost placement, unchanged base first): chr6-7583797-AAG-A. GRCh37 (hg19) VCF-style: chr6-7584030-AAG-A.
Other names: c.4740_4741del, p.Lys1581fs (NM_001008844.3); c.5208_5209del, p.Lys1737fs (NM_001319034.2); short protein forms K1737fs, K1581fs, K2180fs.
Identifiers: ClinVar variation 2775348 (VCV002775348.3), dbSNP rs2533941884, ClinGen allele CA2677218506.

ClinVar aggregate classification (germline): Likely pathogenic. Review status: criteria provided, multiple submitters, no conflicts (2 of 4 stars). 2 submissions from 2 submitters: Likely pathogenic (2). Last evaluated 2023-04-10.

Conditions:
Cardiomyopathy (CMYO). Also called: Cardiomyopathies. Identifiers: Orphanet 167848, MedGen C0878544, MONDO:0004994, HP:0001638. Inheritance: Various modes of inheritance.
Arrhythmogenic cardiomyopathy with wooly hair and keratoderma. Also called: PALMOPLANTAR KERATODERMA WITH LEFT VENTRICULAR CARDIOMYOPATHY AND WOOLLY HAIR; Dilated cardiomyopathy with woolly hair and keratoderma; Arrhythmogenic cardiomyopathy with woolly hair and keratoderma; Carvajal syndrome. Identifiers: Orphanet 65282, MedGen C1854063, MONDO:0011581, OMIM 605676.

Submissions (2):

All of Us Research Program, National Institutes of Health
Classification: Likely pathogenic for Arrhythmogenic cardiomyopathy with wooly hair and keratoderma. Last evaluated: 2023-04-10. Review status: criteria provided, single submitter. Criteria: ACMG Guidelines, 2015. Collection method: clinical testing. Allele origin: germline. Inheritance: Autosomal dominant inheritance. Observed: 1 variant allele, 1 heterozygote.
Comment: This variant deletes 2 nucleotides in exon 24 of the DSP gene, creating a frameshift and premature translation stop signal in the last exon. This variant is predicted to escape nonsense-mediated decay and be expressed as a truncated protein. Although functional studies have not been reported, this variant is expected to disrupt the plakin repeat domain A, B and C. Plakin repeat domains and downstream C-terminal sequence have been reported to be essential for interaction with intermediate filaments (PMID: 12101406, 12802069, 21756917). In addition, truncating variants occurring downstream of this variant are known to be disease-causing (ClinVar variation ID: 246676, 263803). To our knowledge, this variant has not been reported in individuals affected with DSP-related disorders in the literature. This variant has not been identified in the general population by the Genome Aggregation Database (gnomAD). Loss of DSP function is a known mechanism of disease. Based on the available evidence, this variant is classified as Likely Pathogenic.

This study involves interpretation of variants in research participants for the purpose of population health screening. Participant phenotype was not available at the time of variant classification. Additional details can be found in publication PMID: 35346344, PMCID: PMC8962531

Color Diagnostics, LLC DBA Color Health
Classification: Likely pathogenic for Cardiomyopathy. Last evaluated: 2022-12-09. Review status: criteria provided, single submitter. Criteria: ACMG Guidelines, 2015. Collection method: clinical testing. Allele origin: germline.
Comment: This variant deletes 2 nucleotides in exon 24 of the DSP gene, creating a frameshift and premature translation stop signal in the last exon. This variant is predicted to escape nonsense-mediated decay and be expressed as a truncated protein. Although functional studies have not been reported, this variant is expected to disrupt the plakin repeat domain A, B and C. Plakin repeat domains and downstream C-terminal sequence have been reported to be essential for interaction with intermediate filaments (PMID: 12101406, 12802069, 21756917). In addition, truncating variants occurring downstream of this variant are known to be disease-causing (ClinVar variation ID: 246676, 263803). To our knowledge, this variant has not been reported in individuals affected with DSP-related disorders in the literature. This variant has not been identified in the general population by the Genome Aggregation Database (gnomAD). Loss of DSP function is a known mechanism of disease. Based on the available evidence, this variant is classified as Likely Pathogenic.

Literature cited by the submitters: PubMed 12101406 (cited by All of Us Research Program, National Institutes of Health and Color Diagnostics, LLC DBA Color Health); PubMed 12802069 (cited by All of Us Research Program, National Institutes of Health and Color Diagnostics, LLC DBA Color Health); PubMed 21756917 (cited by All of Us Research Program, National Institutes of Health and Color Diagnostics, LLC DBA Color Health).